The following is an entry in ClinVar:

NM_001875.5(CPS1):c.3613G>A (p.Asp1205Asn)

Gene: CPS1 (carbamoyl-phosphate synthase 1; plus strand). Cytogenetic location: 2q34.
Variant type: single nucleotide variant.
Coding change: c.3613G>A on transcript NM_001875.5 (MANE Select); coding-DNA position 3613, G replaced by A.
Protein change: p.Asp1205Asn; replaces aspartic acid 1205 with asparagine.
Molecular consequence: missense variant. On other transcripts: non-coding transcript variant (2).
Genome position (GRCh38, 1-based): chr2:210,656,579, G>A. VCF-style: chr2-210656579-G-A. GRCh37 (hg19) VCF-style: chr2-211521303-G-A.
Other names: c.3613G>A, p.Asp1205Asn (NM_001122633.3, NM_001369257.1); c.3646G>A, p.Asp1216Asn (NM_001369256.1); short protein forms D1205N, D1216N.
Identifiers: ClinVar variation 4847470 (VCV004847470.2).

ClinVar aggregate classification (germline): Uncertain significance. Review status: criteria provided, multiple submitters, no conflicts (2 of 4 stars). 2 submissions from 2 submitters: Uncertain significance (2). Last evaluated 2026-03-04.

Conditions:
Congenital hyperammonemia, type I. Also called: Carbamoyl phosphate synthetase I deficiency disease; Carbamoyl phosphate synthetase 1 deficiency; Hyperammonemia due to carbamoyl phosphate synthetase 1 deficiency; CPS 1 deficiency; Carbamyl phosphate synthetase (CPS) deficiency; CPS I DEFICIENCY. Identifiers: Orphanet 147, MedGen C4082171, MONDO:0009376, OMIM 237300.

gnomAD v4.1: 1 of 1,611,388 alleles (0.000062%); highest among the groups gnomAD compares: Non-Finnish European, 0.000085%; no homozygotes.

Submissions (2):

Women's Health and Genetics/Laboratory Corporation of America, LabCorp
Classification: Uncertain significance. Last evaluated: 2026-03-04. Review status: criteria provided, single submitter. Criteria: LabCorp Variant Classification Summary - May 2015. Collection method: clinical testing. Allele origin: germline.
Comment: Variant summary: CPS1 c.3613G>A (p.Asp1205Asn) results in a conservative amino acid change in the encoded protein sequence. Algorithms developed to predict the effect of missense changes on protein structure and function are either unavailable or do not agree on the potential impact of this missense change. The variant was absent in 251468 control chromosomes. The available data on variant occurrences in the general population are insufficient to allow any conclusion about variant significance. c.3613G>A has been observed in an individual affected with Carbamoylphosphate Synthetase I Deficiency (Eeds_2006, Haberle_2011). These data do not allow any conclusion about variant significance. To our knowledge, no experimental evidence demonstrating an impact on protein function has been reported. The following publications have been ascertained in the context of this evaluation (PMID: 16737834, 21120950). No submitters have cited clinical-significance assessments for this variant to ClinVar. Based on the evidence outlined above, the variant was classified as uncertain significance.

Myriad Genetics, Inc.
Classification: Uncertain significance for Congenital hyperammonemia, type I. Last evaluated: 2025-11-17. Review status: criteria provided, single submitter. Criteria: Myriad Autosomal Dominant, Autosomal Recessive and X-Linked Classification Criteria (2023). Collection method: clinical testing. Allele origin: unknown.
Comment: NM_001875.4(CPS1):c.3613G>A(D1205N) is a missense variant classified as a variant of uncertain significance in the context of carbamoylphosphate synthetase I deficiency. D1205N has been observed in a case with relevant disease (PMID: 16737834). Relevant functional assessments of this variant are not available in the literature. D1205N has not been observed in referenced population frequency databases. In summary, there is insufficient evidence to classify NM_001875.4(CPS1):c.3613G>A(D1205N) as pathogenic or benign. Please note: this variant was assessed in the context of healthy population screening.

Literature cited by the submitters: PubMed 16737834 (cited by Women's Health and Genetics/Laboratory Corporation of America, LabCorp and Myriad Genetics, Inc.); PubMed 21120950 (cited by Women's Health and Genetics/Laboratory Corporation of America, LabCorp).